The following is an entry in ClinVar:

NM_182493.3(MYLK3):c.1690A>G (p.Met564Val)

Gene: MYLK3 (myosin light chain kinase 3; minus strand). Cytogenetic location: 16q11.2.
Variant type: single nucleotide variant.
Coding change: c.1690A>G on transcript NM_182493.3 (MANE Select); coding-DNA position 1690, A replaced by G.
Protein change: p.Met564Val; replaces methionine 564 with valine.
Molecular consequence: missense variant.
Genome position (GRCh38, 1-based): chr16:46,729,106, T>C on the plus strand (A>G on the coding strand, the complement: MYLK3 is on the minus strand). VCF-style: chr16-46729106-T-C. GRCh37 (hg19) VCF-style: chr16-46763018-T-C.
Other names: c.667A>G, p.Met223Val (NM_001308301.1); short protein forms M564V, M223V.
Identifiers: ClinVar variation 4778417 (VCV004778417.1).

ClinVar aggregate classification (germline): Uncertain significance (1 of 4 stars; one submission).

gnomAD v4.1: 1 of 1,614,144 alleles (0.000062%); highest among the groups gnomAD compares: Admixed American, 0.0017%; no homozygotes.

Submission:

Labcorp Genetics (formerly Invitae), Labcorp
Classification: Uncertain significance. Last evaluated: 2025-05-31. Review status: criteria provided, single submitter. Criteria: Invitae Variant Classification Sherloc (09022015). Collection method: clinical testing. Allele origin: germline.
Comment: This sequence change replaces methionine, which is neutral and non-polar, with valine, which is neutral and non-polar, at codon 564 of the MYLK3 protein (p.Met564Val). This variant is present in population databases (rs765522176, gnomAD 0.003%). This variant has not been reported in the literature in individuals affected with MYLK3-related conditions. An algorithm developed to predict the effect of missense changes on protein structure and function (PolyPhen-2) suggests that this variant is likely to be disruptive. In summary, the available evidence is currently insufficient to determine the role of this variant in disease. Therefore, it has been classified as a Variant of Uncertain Significance.